The following is an entry in ClinVar:

NM_000548.5(TSC2):c.4005+8_4005+9del

Gene: TSC2 (TSC complex subunit 2; plus strand). Cytogenetic location: 16p13.3.
Variant type: Microsatellite.
Coding change: c.4005+8_4005+9del on transcript NM_000548.5 (MANE Select); bases 8 to 9 of the intron after coding-DNA position 4005, 2 bases deleted (TG; older notation c.4005+8_4005+9delTG).
Molecular consequence: intron variant.
Genome position (GRCh38, 1-based): chr16:2,083,824-2,083,825, TG deleted; deleting any 2 consecutive bases within chr16:2,083,821-2,083,825 gives the same sequence; the c. name uses the placement nearest the transcript's 3' end. VCF-style (leftmost placement, unchanged base first): chr16-2083820-AGT-A. GRCh37 (hg19) VCF-style: chr16-2133821-AGT-A.
Other names: c.3873+8_3873+9del (NM_001370404.1); c.3804+8_3804+9del (NM_001077183.3); c.3696+8_3696+9del (NM_001318827.2); c.3273+8_3273+9del (NM_001318831.2); c.3660+8_3660+9del (NM_001318829.2); c.3837+8_3837+9del (NM_001318832.2); c.3936+8_3936+9del (NM_001114382.3); c.3876+8_3876+9del (NM_021055.3, NM_001370405.1); and 1 more.
Identifiers: ClinVar variation 1090378 (VCV001090378.10), dbSNP rs758495749, ClinGen allele CA7828394.

ClinVar aggregate classification (germline): Likely benign. Review status: criteria provided, multiple submitters, no conflicts (2 of 4 stars). 2 submissions from 2 submitters: Likely benign (2). Last evaluated 2025-06-02.

Conditions:
Tuberous sclerosis 2 (TSC2). Identifiers: Orphanet 805, MedGen C1860707, MONDO:0013199, OMIM 613254.

Submissions (2):

Myriad Genetics, Inc.
Classification: Likely benign for Tuberous sclerosis 2. Last evaluated: 2025-06-02. Review status: criteria provided, single submitter. Criteria: Myriad Autosomal Dominant, Autosomal Recessive and X-Linked Classification Criteria (2023). Collection method: clinical testing. Allele origin: unknown.
Comment: This variant is considered likely benign. This variant is intronic and is not expected to impact mRNA splicing.

Labcorp Genetics (formerly Invitae), Labcorp
Classification: Likely benign for Tuberous sclerosis 2. Last evaluated: 2024-08-28. Review status: criteria provided, single submitter. Criteria: Invitae Variant Classification Sherloc (09022015). Collection method: clinical testing. Allele origin: germline.